The following is an entry in ClinVar:

NM_001277115.2(DNAH11):c.2320A>T (p.Lys774Ter)

Gene: DNAH11 (dynein axonemal heavy chain 11; plus strand). Cytogenetic location: 7p15.3.
Variant type: single nucleotide variant.
Coding change: c.2320A>T on transcript NM_001277115.2 (MANE Select); coding-DNA position 2320, A replaced by T.
Protein change: p.Lys774Ter; replaces lysine 774 with a stop codon.
Molecular consequence: nonsense.
Genome position (GRCh38, 1-based): chr7:21,591,230, A>T. VCF-style: chr7-21591230-A-T. GRCh37 (hg19) VCF-style: chr7-21630848-A-T.
Other names: c.2320A>T, p.Lys774Ter (NM_003777.3); short protein forms K774*.
Identifiers: ClinVar variation 2817034 (VCV002817034.3), dbSNP rs2534597888, ClinGen allele CA366942421.

ClinVar aggregate classification (germline): Pathogenic (1 of 4 stars; one submission).

Conditions:
Primary ciliary dyskinesia. Also called: Ciliary dyskinesia. Identifiers: Orphanet 244, MedGen C0008780, MONDO:0016575, HP:0012265.

Submission:

Labcorp Genetics (formerly Invitae), Labcorp
Classification: Pathogenic for Primary ciliary dyskinesia. Last evaluated: 2022-11-28. Review status: criteria provided, single submitter. Criteria: Invitae Variant Classification Sherloc (09022015). Collection method: clinical testing. Allele origin: germline.
Comment: This sequence change creates a premature translational stop signal (p.Lys774*) in the DNAH11 gene. It is expected to result in an absent or disrupted protein product. Loss-of-function variants in DNAH11 are known to be pathogenic (PMID: 18022865, 20513915, 22184204). This variant is not present in population databases (gnomAD no frequency). This variant has not been reported in the literature in individuals affected with DNAH11-related conditions. Algorithms developed to predict the effect of sequence changes on RNA splicing suggest that this variant may create or strengthen a splice site. For these reasons, this variant has been classified as Pathogenic.

Literature cited by the submitters: PubMed 18022865; PubMed 20513915; PubMed 22184204.